The following is an entry in ClinVar:

NM_000321.3(RB1):c.1358A>G (p.Tyr453Cys)

Gene: RB1 (RB transcriptional corepressor 1; plus strand). Cytogenetic location: 13q14.2.
Variant type: single nucleotide variant.
Coding change: c.1358A>G on transcript NM_000321.3 (MANE Select); coding-DNA position 1358, A replaced by G.
Protein change: p.Tyr453Cys; replaces tyrosine 453 with cysteine.
Molecular consequence: missense variant.
Genome position (GRCh38, 1-based): chr13:48,379,619, A>G. VCF-style: chr13-48379619-A-G. GRCh37 (hg19) VCF-style: chr13-48953755-A-G.
Other names: c.1358A>G, p.Tyr453Cys (NM_001407165.1, NM_001407166.1); short protein forms Y453C.
Identifiers: ClinVar variation 4737496 (VCV004737496.1).

ClinVar aggregate classification (germline): Uncertain significance. Review status: criteria provided, multiple submitters, no conflicts (2 of 4 stars). 2 submissions from 2 submitters: Uncertain significance (2). Last evaluated 2025-08-30.

Conditions:
Retinoblastoma (RB1). Also called: RETINOBLASTOMA, SOMATIC. Identifiers: Orphanet 790, MedGen C0035335, MeSH D012175, MONDO:0008380, OMIM 180200, HP:0009919. Disease mechanism: loss of function. Inheritance: Both sporadic and heritable forms are tested..

Submissions (2):

Color Diagnostics, LLC DBA Color Health
Classification: Uncertain significance for Retinoblastoma. Last evaluated: 2025-08-30. Review status: criteria provided, single submitter. Criteria: ACMG Guidelines, 2015. Collection method: clinical testing. Allele origin: germline.
Comment: This missense variant replaces tyrosine with cysteine at codon 453 of the RB1 protein. Computational prediction suggests that this variant may have deleterious impact on protein structure and function. To our knowledge, functional studies have not been reported for this variant. This variant has not been reported in individuals affected with RB1-related disorders in the literature. This variant has not been identified in the general population by the Genome Aggregation Database (gnomAD). The available evidence is insufficient to determine the role of this variant in disease conclusively. Therefore, this variant is classified as a Variant of Uncertain Significance.

Labcorp Genetics (formerly Invitae), Labcorp
Classification: Uncertain significance for Retinoblastoma. Last evaluated: 2025-06-10. Review status: criteria provided, single submitter. Criteria: Invitae Variant Classification Sherloc (09022015). Collection method: clinical testing. Allele origin: germline.
Comment: This sequence change replaces tyrosine, which is neutral and polar, with cysteine, which is neutral and slightly polar, at codon 453 of the RB1 protein (p.Tyr453Cys). This variant is not present in population databases (gnomAD no frequency). This variant has not been reported in the literature in individuals affected with RB1-related conditions. Invitae Evidence Modeling of protein sequence and biophysical properties (such as structural, functional, and spatial information, amino acid conservation, physicochemical variation, residue mobility, and thermodynamic stability) indicates that this missense variant is expected to disrupt RB1 protein function with a positive predictive value of 80%. In summary, the available evidence is currently insufficient to determine the role of this variant in disease. Therefore, it has been classified as a Variant of Uncertain Significance.